The following is an entry in ClinVar:

NM_001388453.1(QRICH2):c.3579A>G (p.Ala1193=)

Gene: QRICH2 (glutamine rich 2; minus strand). Cytogenetic location: 17q25.1.
Variant type: single nucleotide variant.
Coding change: c.3579A>G on transcript NM_001388453.1 (MANE Select); coding-DNA position 3579, A replaced by G.
Protein change: p.Ala1193=; no amino-acid change (alanine 1193 retained).
Molecular consequence: synonymous variant.
Genome position (GRCh38, 1-based): chr17:76,291,148, T>C on the plus strand (A>G on the coding strand, the complement: QRICH2 is on the minus strand). VCF-style: chr17-76291148-T-C. GRCh37 (hg19) VCF-style: chr17-74287229-T-C.
Other names: c.3579A>G, p.Ala1193= (NM_032134.3).
Identifiers: ClinVar variation 3041329 (VCV003041329.2), dbSNP rs149430693, ClinGen allele CA8783800.

ClinVar aggregate classification (germline): Likely benign (0 of 4 stars; one submission).

Conditions:
QRICH2-related disorder. Also called: QRICH2-related condition.

Allele frequency attached by ClinVar (database versions not stated): gnomAD exomes 0.00025; ESP Exome Variant Server 0.00038; gnomAD 0.00046; ExAC 0.00053; TOPMed 0.00085; 1000 Genomes Project 0.00100; 1000 Genomes Project 30x 0.00109.
gnomAD v4.1: 489 of 1,614,178 alleles (0.03%); highest among the groups gnomAD compares: Middle Eastern, 0.35%; 4 homozygotes.

Submission:

PreventionGenetics, part of Exact Sciences
Classification: Likely benign for QRICH2-related condition. Last evaluated: 2019-11-21. Review status: no assertion criteria provided. Collection method: clinical testing. Allele origin: germline.
Comment: This variant is classified as likely benign based on ACMG/AMP sequence variant interpretation guidelines (Richards et al. 2015 PMID: 25741868, with internal and published modifications).